The following is an entry in ClinVar:

ClinVar aggregate classification (germline): Uncertain significance (1 of 4 stars; one submission).

Conditions:
Brown-Vialetto-van Laere syndrome 2. Also called: SPINOCEREBELLAR ATAXIA WITH BLINDNESS AND DEAFNESS 2; Riboflavin transporter deficiency type 2. Identifiers: Orphanet 572543, Orphanet 97229, MedGen C3553538, MONDO:0013867, OMIM 614707.

Submission:

Labcorp Genetics (formerly Invitae), Labcorp
Classification: Uncertain significance for Brown-Vialetto-van Laere syndrome 2. Last evaluated: 2021-06-06. Review status: criteria provided, single submitter. Criteria: Invitae Variant Classification Sherloc (09022015). Collection method: clinical testing. Allele origin: germline.
Comment: In summary, the available evidence is currently insufficient to determine the role of this variant in disease. Therefore, it has been classified as a Variant of Uncertain Significance. Advanced modeling of protein sequence and biophysical properties (such as structural, functional, and spatial information, amino acid conservation, physicochemical variation, residue mobility, and thermodynamic stability) performed at Invitae indicates that this missense variant is not expected to disrupt SLC52A2 protein function. This variant has not been reported in the literature in individuals with SLC52A2-related conditions. This variant is not present in population databases (ExAC no frequency). This sequence change replaces valine with leucine at codon 53 of the SLC52A2 protein (p.Val53Leu). The valine residue is highly conserved and there is a small physicochemical difference between valine and leucine.

NM_001363118.2(SLC52A2):c.157G>T (p.Val53Leu)

Gene: SLC52A2 (solute carrier family 52 member 2; plus strand). Cytogenetic location: 8q24.3.
Variant type: single nucleotide variant.
Coding change: c.157G>T on transcript NM_001363118.2 (MANE Select); coding-DNA position 157, G replaced by T.
Protein change: p.Val53Leu; replaces valine 53 with leucine.
Molecular consequence: missense variant. On other transcripts: non-coding transcript variant (1), intron variant (1).
Genome position (GRCh38, 1-based): chr8:144,359,649, G>T. VCF-style: chr8-144359649-G-T. GRCh37 (hg19) VCF-style: chr8-145583309-G-T.
Other names: c.157G>T, p.Val53Leu (NM_001253815.2, NM_001253816.2, NM_001363120.2 and 2 more transcripts); c.130+226G>T (NM_001363122.2); short protein forms V53L.
Identifiers: ClinVar variation 1423007 (VCV001423007.8), dbSNP rs150137023, ClinGen allele CA372626214.
Genomic context (GRCh38, chr8:144,359,649, plus strand): 5'-ATGACCCTGACATGGCCTCCTCCCTTCCCTGCAGGTTGGAGCCTCCCCTCTTACGTCTCT[G>T]TGCTTGTGGCTCTGGGGAACCTGGGTCTGCTGGTGGTGACCCTCTGGAGGAGGCTGGCCC-3'
Protein context (NP_001350047.1, residues 43-63): EGWSLPSYVS[Val53Leu]LVALGNLGLL